The following is an entry in ClinVar:

NM_001384125.1(BLTP1):c.4533G>C (p.Gln1511His)

Gene: BLTP1 (bridge-like lipid transfer protein family member 1; plus strand). Cytogenetic location: 4q27.
Variant type: single nucleotide variant.
Coding change: c.4533G>C on transcript NM_001384125.1 (MANE Select); coding-DNA position 4533, G replaced by C.
Protein change: p.Gln1511His; replaces glutamine 1511 with histidine.
Molecular consequence: missense variant.
Genome position (GRCh38, 1-based): chr4:122,240,215, G>C. VCF-style: chr4-122240215-G-C. GRCh37 (hg19) VCF-style: chr4-123161370-G-C.
Other names: c.4533G>C, p.Gln1511His (NM_015312.4); short protein forms Q1511H.
Identifiers: ClinVar variation 1030490 (VCV001030490.2), dbSNP rs1712573292, ClinGen allele CA358091999.

ClinVar aggregate classification (germline): Uncertain significance. Review status: criteria provided, multiple submitters, no conflicts (2 of 4 stars). 2 submissions from 2 submitters: Uncertain significance (2). Last evaluated 2025-04-03.

Conditions:
Alkuraya-Kucinskas syndrome. Identifiers: Orphanet 610569, MedGen C4693347, MONDO:0060631, OMIM 617822.

Allele frequency attached by ClinVar (database versions not stated): TOPMed 0.00001.
gnomAD v4.1: 3 of 1,614,096 alleles (0.00019%); highest among the groups gnomAD compares: Admixed American, 0.0033%; no homozygotes.

Submissions (2):

Ambry Genetics
Classification: Uncertain significance. Last evaluated: 2025-04-03. Review status: criteria provided, single submitter. Criteria: Ambry Variant Classification Scheme 2023. Collection method: clinical testing. Allele origin: germline.

Baylor Genetics
Classification: Uncertain significance for Alkuraya-Kucinskas syndrome. Last evaluated: 2019-06-28. Review status: criteria provided, single submitter. Criteria: ACMG Guidelines, 2015. Collection method: clinical testing. Allele origin: unknown. Affected: yes.
Comment: This variant was determined to be of uncertain significance according to ACMG Guidelines, 2015 [PMID:25741868].